The following is an entry in ClinVar:

ClinVar aggregate classification (germline): Pathogenic/Likely pathogenic. Review status: criteria provided, multiple submitters, no conflicts (2 of 4 stars). 2 submissions from 2 submitters: Pathogenic (1); Likely pathogenic (1). Last evaluated 2025-09-15.

Conditions:
GTP cyclohydrolase I deficiency. Identifiers: MedGen C0268467, MONDO:0100184.
Dystonia 5 (DRD). Also called: GTP Cyclohydrolase 1-Deficient Dopa-Responsive Dystonia; DYT-GCH1; DYSTONIA, PROGRESSIVE, WITH DIURNAL VARIATION; DYSTONIA-PARKINSONISM WITH DIURNAL FLUCTUATION; Dystonia, DOPA-responsive, with or without hyperphenylalaninemia. Identifiers: Orphanet 98808, MedGen C1851920, MONDO:0007495, OMIM 128230.

Submissions (2):

Labcorp Genetics (formerly Invitae), Labcorp
Classification: Pathogenic for GTP cyclohydrolase I deficiency; Dystonia 5. Last evaluated: 2025-09-15. Review status: criteria provided, single submitter. Criteria: Invitae Variant Classification Sherloc (09022015). Collection method: clinical testing. Allele origin: germline.
Comment: This sequence change creates a premature translational stop signal (p.Ala200Leufs*5) in the GCH1 gene. While this is not anticipated to result in nonsense mediated decay, it is expected to disrupt the last 51 amino acid(s) of the GCH1 protein. This variant is not present in population databases (gnomAD no frequency). This premature translational stop signal has been observed in individual(s) with clinical features of GCH1-related conditions (PMID: 25119902). Algorithms developed to predict the effect of sequence changes on RNA splicing suggest that this variant may disrupt the consensus splice site. This variant disrupts a region of the GCH1 protein in which other variant(s) (p.Gly201Arg) have been determined to be pathogenic (PMID: 7874165, 15753436; internal data). This suggests that this is a clinically significant region of the protein, and that variants that disrupt it are likely to be disease-causing. For these reasons, this variant has been classified as Pathogenic.

Athena Diagnostics
Classification: Likely pathogenic. Last evaluated: 2025-04-29. Review status: criteria provided, single submitter. Criteria: Athena Diagnostics Criteria. Collection method: clinical testing. Allele origin: unknown.
Comment: This variant has not been reported in large, multi-ethnic general populations. This variant has been identified in at least one individual with clinical features associated with autosomal dominant dopa-responsive dystonia. This variant is not expected to cause loss of protein expression through nonsense-mediated decay. However, it disrupts a substantial portion of the protein, and therefore, is expected to disrupt its function.

Literature cited by the submitters: PubMed 25119902 (cited by Labcorp Genetics (formerly Invitae), Labcorp and Athena Diagnostics); PubMed 7874165 (cited by Labcorp Genetics (formerly Invitae), Labcorp); PubMed 15753436 (cited by Labcorp Genetics (formerly Invitae), Labcorp).

NM_000161.3(GCH1):c.597del (p.Ala200fs)

Gene: GCH1 (GTP cyclohydrolase 1; minus strand). Cytogenetic location: 14q22.2.
Variant type: Deletion.
Coding change: c.597del on transcript NM_000161.3 (MANE Select); coding-DNA position 597, one base deleted (T; older notation c.597delT).
Protein change: p.Ala200fs; shifts the reading frame from alanine 200.
Molecular consequence: frameshift variant. On other transcripts: intron variant (1).
Genome position (GRCh38, 1-based): chr14:54,845,797, A deleted on the plus strand (T on the coding strand, the reverse complement: GCH1 is on the minus strand). VCF-style (leftmost placement, unchanged base first): chr14-54845796-CA-C. GRCh37 (hg19) VCF-style: chr14-55312514-CA-C.
Other names: c.597del, p.Ala200fs (NM_001024024.2, NM_001024070.2, NM_001024071.2); c.303del, p.Ala102fs (NM_001424105.1); c.510-2743del (NM_001424104.1); short protein forms A102fs, A200fs.
Identifiers: ClinVar variation 4682446 (VCV004682446.2).
Genomic context (GRCh38, chr14:54,845,796, plus strand): 5'-TATGACGTTACTAAAGGCAGATGCAGACTTACGTTGCTTCAACCACTACCCCGACTCCAG[CA>C]GGCCGCAAGGCTTCCGTGATTGCTACAGCAATTTGTTTTGTAAGGCGCTCCTGAACTGTG-3'